The following is an entry in ClinVar:

NM_017909.4(RMND1):c.730-278A>G

Gene: RMND1 (required for meiotic nuclear division 1 homolog; minus strand). Cytogenetic location: 6q25.1.
Variant type: single nucleotide variant.
Coding change: c.730-278A>G on transcript NM_017909.4 (MANE Select); 278 bases into the intron before coding-DNA position 730, A replaced by G.
Molecular consequence: intron variant.
Genome position (GRCh38, 1-based): chr6:151,427,860, T>C on the plus strand (A>G on the coding strand, the complement: RMND1 is on the minus strand). VCF-style: chr6-151427860-T-C. GRCh37 (hg19) VCF-style: chr6-151748995-T-C.
Other names: c.220-278A>G (NM_001271937.2).
Identifiers: ClinVar variation 671570 (VCV000671570.1), dbSNP rs9397407, ClinGen allele CA12379619.

ClinVar aggregate classification (germline): Benign (1 of 4 stars; one submission).

Allele frequency attached by ClinVar (database versions not stated): gnomAD 0.13658 and 0.14273; TOPMed 0.14459; 1000 Genomes Project 30x 0.20284; 1000 Genomes Project 0.20767.
gnomAD v4.1: 21,687 of 152,154 alleles (14%); highest among the groups gnomAD compares: East Asian, 36%; 1,717 homozygotes.

Submission:

GeneDx
Classification: Benign. Last evaluated: 2018-06-14. Review status: criteria provided, single submitter. Criteria: GeneDx Variant Classification (06012015). Collection method: clinical testing. Allele origin: germline. Affected: yes.
Comment: This variant is considered likely benign or benign based on one or more of the following criteria: it is a conservative change, it occurs at a poorly conserved position in the protein, it is predicted to be benign by multiple in silico algorithms, and/or has population frequency not consistent with disease.